The following is an entry in ClinVar:

NM_001365536.1(SCN9A):c.1568G>A (p.Arg523Gln)

Genes: SCN9A (sodium voltage-gated channel alpha subunit 9; minus strand), SCN1A-AS1 (SCN1A and SCN9A antisense RNA 1; plus strand). Cytogenetic location: 2q24.3.
Variant type: single nucleotide variant.
Coding change: c.1568G>A on transcript NM_001365536.1 (MANE Select); coding-DNA position 1568, G replaced by A.
Protein change: p.Arg523Gln; replaces arginine 523 with glutamine.
Molecular consequence: missense variant.
Genome position (GRCh38, 1-based): chr2:166,286,370, C>T on the plus strand (G>A on the coding strand, the complement: SCN9A is on the minus strand). VCF-style: chr2-166286370-C-T. GRCh37 (hg19) VCF-style: chr2-167142880-C-T.
Other names: c.1568G>A, p.Arg523Gln (NM_002977.4); short protein forms R523Q.
Identifiers: ClinVar variation 861391 (VCV000861391.11), dbSNP rs548357583, ClinGen allele CA1944492.

ClinVar aggregate classification (germline): Uncertain significance. Review status: criteria provided, multiple submitters, no conflicts (2 of 4 stars). 2 submissions from 2 submitters: Uncertain significance (2). Last evaluated 2024-12-15.

Conditions:
Neuropathy, hereditary sensory and autonomic, type 2A (HSAN2A). Also called: HSAN IIA; MORVAN DISEASE; NEUROPATHY, CONGENITAL SENSORY; NEUROPATHY, HEREDITARY SENSORY RADICULAR, AUTOSOMAL RECESSIVE; NEUROPATHY, HEREDITARY SENSORY, TYPE IIA; NEUROPATHY, PROGRESSIVE SENSORY, OF CHILDREN. Identifiers: Orphanet 970, MedGen C2752089, MONDO:0024309, OMIM 201300.
Generalized epilepsy with febrile seizures plus, type 7 (GEFSP7). Also called: GEFS+, TYPE 7. Identifiers: Orphanet 36387, MedGen C2751778, MONDO:0013470, OMIM 613863.
Inborn genetic diseases. Identifiers: MedGen C0950123, MeSH D030342.

Allele frequency attached by ClinVar (database versions not stated): gnomAD exomes 0.00001; ExAC 0.00002; gnomAD 0.00003 and 0.00006; TOPMed 0.00003.
gnomAD v4.1: 21 of 1,613,136 alleles (0.0013%); highest among the groups gnomAD compares: African/African-American, 0.017%; 1 homozygote.

Submissions (2):

Labcorp Genetics (formerly Invitae), Labcorp
Classification: Uncertain significance for Neuropathy, hereditary sensory and autonomic, type 2A; Generalized epilepsy with febrile seizures plus, type 7. Last evaluated: 2024-12-15. Review status: criteria provided, single submitter. Criteria: Invitae Variant Classification Sherloc (09022015). Collection method: clinical testing. Allele origin: germline.
Comment: This sequence change replaces arginine, which is basic and polar, with glutamine, which is neutral and polar, at codon 523 of the SCN9A protein (p.Arg523Gln). This variant is present in population databases (rs548357583, gnomAD 0.009%). This variant has not been reported in the literature in individuals affected with SCN9A-related conditions. ClinVar contains an entry for this variant (Variation ID: 861391). An algorithm developed to predict the effect of missense changes on protein structure and function outputs the following: PolyPhen-2: "Benign". The glutamine amino acid residue is found in multiple mammalian species, which suggests that this missense change does not adversely affect protein function. In summary, the available evidence is currently insufficient to determine the role of this variant in disease. Therefore, it has been classified as a Variant of Uncertain Significance.

Ambry Genetics
Classification: Uncertain significance for Inborn genetic diseases. Last evaluated: 2024-03-07. Review status: criteria provided, single submitter. Criteria: Ambry Variant Classification Scheme 2023. Collection method: clinical testing. Allele origin: germline.